The following is an entry in ClinVar:

NM_015693.4(INTU):c.2017A>G (p.Thr673Ala)

Gene: INTU (inturned planar cell polarity protein; plus strand). Cytogenetic location: 4q28.1.
Variant type: single nucleotide variant.
Coding change: c.2017A>G on transcript NM_015693.4 (MANE Select); coding-DNA position 2017, A replaced by G.
Protein change: p.Thr673Ala; replaces threonine 673 with alanine.
Molecular consequence: missense variant.
Genome position (GRCh38, 1-based): chr4:127,706,715, A>G. VCF-style: chr4-127706715-A-G. GRCh37 (hg19) VCF-style: chr4-128627870-A-G.
Other names: c.2017A>G (NM_015693.3); short protein forms T673A.
Identifiers: ClinVar variation 2413939 (VCV002413939.8), dbSNP rs945763471, ClinGen allele CA105640072.
Genomic context (GRCh38, chr4:127,706,715, plus strand): 5'-TGTTTGTCTTGTGCTGACTGGTTCCTTACTGGATCACGTGAAAAAACAGATAGCTTGACC[A>G]CTTCGCCTATTCTCAGTAGGCTACAAGGTACTTCCAAAGTAGCAACTTCTCCAACATGCA-3'
Protein context (NP_056508.2, residues 663-683): GSREKTDSLT[Thr673Ala]SPILSRLQGT

ClinVar aggregate classification (germline): Uncertain significance. Review status: criteria provided, multiple submitters, no conflicts (2 of 4 stars). 2 submissions from 2 submitters: Uncertain significance (2). Last evaluated 2025-03-26.

Conditions:
Inborn genetic diseases. Identifiers: MedGen C0950123, MeSH D030342.

Allele frequency attached by ClinVar (database versions not stated): gnomAD exomes 0.00001; gnomAD 0.00003; TOPMed 0.00008.
gnomAD v4.1: 15 of 1,613,952 alleles (0.00093%); highest among the groups gnomAD compares: African/African-American, 0.012%; no homozygotes.

Submissions (2):

Labcorp Genetics (formerly Invitae), Labcorp
Classification: Uncertain significance. Last evaluated: 2025-03-26. Review status: criteria provided, single submitter. Criteria: Invitae Variant Classification Sherloc (09022015). Collection method: clinical testing. Allele origin: germline.
Comment: This sequence change replaces threonine, which is neutral and polar, with alanine, which is neutral and non-polar, at codon 673 of the INTU protein (p.Thr673Ala). This variant is present in population databases (no rsID available, gnomAD 0.02%). This variant has not been reported in the literature in individuals affected with INTU-related conditions. ClinVar contains an entry for this variant (Variation ID: 2413939). Invitae Evidence Modeling of protein sequence and biophysical properties (such as structural, functional, and spatial information, amino acid conservation, physicochemical variation, residue mobility, and thermodynamic stability) indicates that this missense variant is not expected to disrupt INTU protein function with a negative predictive value of 80%. In summary, the available evidence is currently insufficient to determine the role of this variant in disease. Therefore, it has been classified as a Variant of Uncertain Significance.

Ambry Genetics
Classification: Uncertain significance for Inborn genetic diseases. Last evaluated: 2024-04-17. Review status: criteria provided, single submitter. Criteria: Ambry Variant Classification Scheme 2023. Collection method: clinical testing. Allele origin: germline.